The following is an entry in ClinVar:

ClinVar aggregate classification (germline): Uncertain significance (1 of 4 stars; one submission).

gnomAD v4.1: 1 of 1,613,480 alleles (0.000062%); no homozygotes.

Submission:

Dasa
Classification: Uncertain significance. Last evaluated: 2026-04-02. Review status: criteria provided, single submitter. Criteria: DASA Assertion Criteria. Collection method: clinical testing. Allele origin: germline.
Comment: NM_001205293.3(CACNA1E):c.205C>G (p.Leu69Val) is a missense variant that results in the substitution of leucine with valine. This variant is rare in population databases. Computational prediction algorithms are consistent with a deleterious effect. The currently available literature and clinical evidence are not sufficient to establish a definitive association between this variant and the reported condition. Therefore, this variant is classified as a variant of uncertain significance.

NM_001205293.3(CACNA1E):c.205C>G (p.Leu69Val)

Gene: CACNA1E (calcium voltage-gated channel subunit alpha1 E; plus strand). Cytogenetic location: 1q25.3.
Variant type: single nucleotide variant.
Coding change: c.205C>G on transcript NM_001205293.3 (MANE Select); coding-DNA position 205, C replaced by G.
Protein change: p.Leu69Val; replaces leucine 69 with valine.
Molecular consequence: missense variant.
Genome position (GRCh38, 1-based): chr1:181,483,949, C>G. VCF-style: chr1-181483949-C-G. GRCh37 (hg19) VCF-style: chr1-181453085-C-G.
Other names: c.205C>G, p.Leu69Val (NM_000721.4, NM_001205294.2); short protein forms L69V.
Identifiers: ClinVar variation 4885186 (VCV004885186.2).
Genomic context (GRCh38, chr1:181,483,949, plus strand): 5'-ACTATGGCTTTGTACAACCCCATTCCCGTCCGGCAGAACTGTTTCACCGTCAACAGATCC[C>G]TGTTCATCTTCGGAGAAGATAACATTGTCAGGAAATATGCCAAGAAGCTCATCGATTGGC-3'
Protein context (NP_001192222.1, residues 59-79): RQNCFTVNRS[Leu69Val]FIFGEDNIVR